The following is an entry in ClinVar:

NM_000245.4(MET):c.3372T>C (p.Phe1124=)

Gene: MET (MET proto-oncogene, receptor tyrosine kinase; plus strand). Cytogenetic location: 7q31.2.
Variant type: single nucleotide variant.
Coding change: c.3372T>C on transcript NM_000245.4 (MANE Select); coding-DNA position 3372, T replaced by C.
Protein change: p.Phe1124=; no amino-acid change (phenylalanine 1124 retained).
Molecular consequence: synonymous variant.
Genome position (GRCh38, 1-based): chr7:116,778,807, T>C. VCF-style: chr7-116778807-T-C. GRCh37 (hg19) VCF-style: chr7-116418861-T-C.
Other names: c.3426T>C, p.Phe1142= (NM_001127500.3); c.2082T>C, p.Phe694= (NM_001324402.2).
Identifiers: ClinVar variation 1647375 (VCV001647375.11), dbSNP rs2117045349, ClinGen allele CA457218715.

ClinVar aggregate classification (germline): Benign/Likely benign. Review status: criteria provided, multiple submitters, no conflicts (2 of 4 stars). 3 submissions from 3 submitters: Benign (1); Likely benign (2). Last evaluated 2024-11-13.

Conditions:
Renal cell carcinoma. Identifiers: Orphanet 217071, MedGen C0007134, MeSH D002292, MONDO:0005086, HP:0005584.
Hereditary cancer-predisposing syndrome. Also called: Tumor predisposition; Neoplastic Syndromes, Hereditary; Hereditary Cancer Syndrome; Hereditary neoplastic syndrome. Identifiers: Orphanet 140162, MedGen C0027672, MeSH D009386, MONDO:0015356.
Papillary renal cell carcinoma type 1 (RCCP1). Also called: Renal adenocarcinoma; Renal cell carcinoma 1; Renal cell carcinoma, somatic; RENAL CELL CARCINOMA, PAPILLARY, 1, SOMATIC. Identifiers: Orphanet 47044, MedGen C1336839, OMIM 605074, HP:0011797.

Submissions (3):

Labcorp Genetics (formerly Invitae), Labcorp
Classification: Likely benign for Renal cell carcinoma. Last evaluated: 2024-11-13. Review status: criteria provided, single submitter. Criteria: Invitae Variant Classification Sherloc (09022015). Collection method: clinical testing. Allele origin: germline.

Myriad Genetics, Inc.
Classification: Benign for Papillary renal cell carcinoma type 1. Last evaluated: 2024-11-13. Review status: criteria provided, single submitter. Criteria: Myriad Autosomal Dominant, Autosomal Recessive and X-Linked Classification Criteria (2023). Collection method: clinical testing. Allele origin: unknown.
Comment: This variant is considered benign. This variant is a silent/synonymous amino acid change and it is not expected to impact splicing.

Ambry Genetics
Classification: Likely benign for Hereditary cancer-predisposing syndrome. Last evaluated: 2017-10-06. Review status: criteria provided, single submitter. Criteria: Ambry Variant Classification Scheme 2023. Collection method: clinical testing. Allele origin: germline.